The following is an entry in ClinVar:

ClinVar aggregate classification (germline): Uncertain significance. Review status: criteria provided, multiple submitters, no conflicts (2 of 4 stars). 2 submissions from 2 submitters: Uncertain significance (2). Last evaluated 2024-02-09.

Conditions:
Hereditary cancer-predisposing syndrome. Also called: Tumor predisposition; Hereditary neoplastic syndrome; Hereditary Cancer Syndrome; Neoplastic Syndromes, Hereditary. Identifiers: Orphanet 140162, MedGen C0027672, MeSH D009386, MONDO:0015356.
Familial cancer of breast. Also called: BREAST CANCER, FAMILIAL; Hereditary breast cancer; hereditary breast carcinoma. Identifiers: Orphanet 227535, MedGen C0346153, MONDO:0016419, OMIM 114480. Disease mechanism: loss of function.

Submissions (2):

Ambry Genetics
Classification: Uncertain significance for Hereditary cancer-predisposing syndrome. Last evaluated: 2024-02-09. Review status: criteria provided, single submitter. Criteria: Ambry Variant Classification Scheme 2023. Collection method: clinical testing. Allele origin: germline.
Comment: The p.V1385M variant (also known as c.4153G>A), located in coding exon 27 of the ATM gene, results from a G to A substitution at nucleotide position 4153. The valine at codon 1385 is replaced by methionine, an amino acid with highly similar properties. This amino acid position is conserved. In addition, the in silico prediction for this alteration is inconclusive. Based on the available evidence, the clinical significance of this alteration remains unclear.

Baylor Genetics
Classification: Uncertain significance for Familial cancer of breast. Last evaluated: 2023-12-14. Review status: criteria provided, single submitter. Criteria: ACMG Guidelines, 2015. Collection method: clinical testing. Allele origin: unknown.

NM_000051.4(ATM):c.4153G>A (p.Val1385Met)

Gene: ATM (ATM serine/threonine kinase; plus strand). Cytogenetic location: 11q22.3.
Variant type: single nucleotide variant.
Coding change: c.4153G>A on transcript NM_000051.4 (MANE Select); coding-DNA position 4153, G replaced by A.
Protein change: p.Val1385Met; replaces valine 1385 with methionine.
Molecular consequence: missense variant.
Genome position (GRCh38, 1-based): chr11:108,289,020, G>A. VCF-style: chr11-108289020-G-A. GRCh37 (hg19) VCF-style: chr11-108159747-G-A.
Other names: c.4153G>A, p.Val1385Met (NM_001351834.2); short protein forms V1385M.
Identifiers: ClinVar variation 3221030 (VCV003221030.2), dbSNP rs1064794484, ClinGen allele CA382530007.